The following is an entry in ClinVar:

ClinVar aggregate classification (germline): Uncertain significance (1 of 4 stars; one submission).

gnomAD v4.1: 16 of 1,613,872 alleles (0.00099%); highest among the groups gnomAD compares: Admixed American, 0.0017%; no homozygotes.

Submission:

Labcorp Genetics (formerly Invitae), Labcorp
Classification: Uncertain significance. Last evaluated: 2026-01-08. Review status: criteria provided, single submitter. Criteria: Invitae Variant Classification Sherloc (09022015). Collection method: clinical testing. Allele origin: germline.
Comment: This sequence change replaces arginine, which is basic and polar, with cysteine, which is neutral and slightly polar, at codon 328 of the GALNT3 protein (p.Arg328Cys). The frequency data for this variant in the population databases is considered unreliable, as metrics indicate poor data quality at this position in the gnomAD database. This variant has not been reported in the literature in individuals affected with GALNT3-related conditions. Invitae Evidence Modeling of protein sequence and biophysical properties (such as structural, functional, and spatial information, amino acid conservation, physicochemical variation, residue mobility, and thermodynamic stability) indicates that this missense variant is expected to disrupt GALNT3 protein function with a positive predictive value of 80%. In summary, the available evidence is currently insufficient to determine the role of this variant in disease. Therefore, it has been classified as a Variant of Uncertain Significance.

NM_004482.4(GALNT3):c.982C>T (p.Arg328Cys)

Gene: GALNT3 (polypeptide N-acetylgalactosaminyltransferase 3; minus strand). Cytogenetic location: 2q24.3.
Variant type: single nucleotide variant.
Coding change: c.982C>T on transcript NM_004482.4 (MANE Select); coding-DNA position 982, C replaced by T.
Protein change: p.Arg328Cys; replaces arginine 328 with cysteine.
Molecular consequence: missense variant.
Genome position (GRCh38, 1-based): chr2:165,759,427, G>A on the plus strand (C>T on the coding strand, the complement: GALNT3 is on the minus strand). VCF-style: chr2-165759427-G-A. GRCh37 (hg19) VCF-style: chr2-166615937-G-A.
Other names: short protein forms R328C.
Identifiers: ClinVar variation 4754093 (VCV004754093.1).